The following is an entry in ClinVar:

ClinVar aggregate classification (germline): Uncertain significance (1 of 4 stars; one submission).

Conditions:
Spastic paraplegia. Identifiers: MedGen C0037772, HP:0001258.

Submission:

Labcorp Genetics (formerly Invitae), Labcorp
Classification: Uncertain significance for Spastic paraplegia. Last evaluated: 2023-01-16. Review status: criteria provided, single submitter. Criteria: Invitae Variant Classification Sherloc (09022015). Collection method: clinical testing. Allele origin: germline.
Comment: In summary, the available evidence is currently insufficient to determine the role of this variant in disease. Therefore, it has been classified as a Variant of Uncertain Significance. Advanced modeling of protein sequence and biophysical properties (such as structural, functional, and spatial information, amino acid conservation, physicochemical variation, residue mobility, and thermodynamic stability) performed at Invitae indicates that this missense variant is not expected to disrupt KIF5A protein function. This variant has not been reported in the literature in individuals affected with KIF5A-related conditions. This variant is not present in population databases (gnomAD no frequency). This sequence change replaces proline, which is neutral and non-polar, with threonine, which is neutral and polar, at codon 1011 of the KIF5A protein (p.Pro1011Thr).

NM_004984.4(KIF5A):c.3031C>A (p.Pro1011Thr)

Gene: KIF5A (kinesin family member 5A; plus strand). Cytogenetic location: 12q13.3.
Variant type: single nucleotide variant.
Coding change: c.3031C>A on transcript NM_004984.4 (MANE Select); coding-DNA position 3031, C replaced by A.
Protein change: p.Pro1011Thr; replaces proline 1011 with threonine.
Molecular consequence: missense variant.
Genome position (GRCh38, 1-based): chr12:57,583,111, C>A. VCF-style: chr12-57583111-C-A. GRCh37 (hg19) VCF-style: chr12-57976894-C-A.
Other names: c.2764C>A, p.Pro922Thr (NM_001354705.2); short protein forms P922T, P1011T.
Identifiers: ClinVar variation 2818067 (VCV002818067.3), dbSNP rs2540517880, ClinGen allele CA385517307.